The following is an entry in ClinVar:

NM_001256715.2(DNAAF3):c.1091T>C (p.Leu364Pro)

Genes: DNAAF3 (dynein axonemal assembly factor 3; minus strand), DNAAF3-AS1 (DNAAF3 antisense RNA 1; plus strand). Cytogenetic location: 19q13.42.
Variant type: single nucleotide variant.
Coding change: c.1091T>C on transcript NM_001256715.2 (MANE Select); coding-DNA position 1091, T replaced by C.
Protein change: p.Leu364Pro; replaces leucine 364 with proline.
Molecular consequence: missense variant.
Genome position (GRCh38, 1-based): chr19:55,159,971, A>G on the plus strand (T>C on the coding strand, the complement: DNAAF3 is on the minus strand). VCF-style: chr19-55159971-A-G. GRCh37 (hg19) VCF-style: chr19-55671339-A-G.
Other names: c.1292T>C, p.Leu431Pro (NM_001256714.1); c.929T>C, p.Leu310Pro (NM_001256716.2); c.1232T>C, p.Leu411Pro (NM_178837.4); short protein forms L310P, L364P, L411P, L431P.
Identifiers: ClinVar variation 4869904 (VCV004869904.1).

ClinVar aggregate classification (germline): Uncertain significance (1 of 4 stars; one submission).

Conditions:
Primary ciliary dyskinesia. Also called: Ciliary dyskinesia. Identifiers: Orphanet 244, MedGen C0008780, MONDO:0016575, HP:0012265.

gnomAD v4.1: 7 of 1,610,072 alleles (0.00043%); highest among the groups gnomAD compares: East Asian, 0.0022%; no homozygotes.

Submission:

Ambry Genetics
Classification: Uncertain significance for Primary ciliary dyskinesia. Last evaluated: 2026-05-23. Review status: criteria provided, single submitter. Criteria: Ambry Variant Classification Scheme 2023. Collection method: clinical testing. Allele origin: germline.
Comment: The p.L431P variant (also known as c.1292T>C), located in coding exon 10 of the DNAAF3 gene, results from a T to C substitution at nucleotide position 1292. The leucine at codon 431 is replaced by proline, an amino acid with similar properties. This amino acid position is conserved. In addition, the in silico prediction for this alteration is inconclusive. Based on the available evidence, the clinical significance of this variant remains unclear.